The following is an entry in ClinVar:

ClinVar aggregate classification (germline): Pathogenic. Review status: criteria provided, multiple submitters, no conflicts (2 of 4 stars). 2 submissions from 2 submitters: Pathogenic (2). Last evaluated 2025-09-27.

Conditions:
Arrhythmogenic right ventricular dysplasia 10. Also called: ARRHYTHMOGENIC RIGHT VENTRICULAR DYSPLASIA, FAMILIAL, 10; Arrhythmogenic right ventricular dysplasia/cardiomyopathy, type 10; Arrhythmogenic Right Ventricular Dysplasia/Cardiomyopathy10. Identifiers: MedGen C1857777, MONDO:0012434, OMIM 610193.

Allele frequency attached by ClinVar (database versions not stated): gnomAD exomes 0.00001; ExAC 0.00001.
gnomAD v4.1: 8 of 1,612,546 alleles (0.0005%); highest among the groups gnomAD compares: East Asian, 0.0022%; no homozygotes.

Submissions (2):

Labcorp Genetics (formerly Invitae), Labcorp
Classification: Pathogenic for Arrhythmogenic right ventricular dysplasia 10. Last evaluated: 2025-09-27. Review status: criteria provided, single submitter. Criteria: Invitae Variant Classification Sherloc (09022015). Collection method: clinical testing. Allele origin: germline.
Comment: This sequence change affects a donor splice site in intron 6 of the DSG2 gene. It is expected to disrupt RNA splicing. Variants that disrupt the donor or acceptor splice site typically lead to a loss of protein function (PMID: 16199547), and loss-of-function variants in DSG2 are known to be pathogenic (PMID: 17105751, 31386562). This variant is present in population databases (rs750176752, gnomAD 0.006%). Disruption of this splice site has been observed in individuals with arrhythmogenic right ventricular cardiomyopathy (PMID: 30790397). ClinVar contains an entry for this variant (Variation ID: 410373). Algorithms developed to predict the effect of sequence changes on RNA splicing suggest that this variant may disrupt the consensus splice site. For these reasons, this variant has been classified as Pathogenic.

GeneDx
Classification: Pathogenic. Last evaluated: 2025-04-23. Review status: criteria provided, single submitter. Criteria: GeneDx Variant Classification Process June 2021. Collection method: clinical testing. Allele origin: germline. Affected: yes.
Comment: Identified in at least one patient with ARVC in published literature (PMID: 20400443, 24086444, 30790397); Not observed at significant frequency in large population cohorts (gnomAD); Canonical splice site variant predicted to result in a null allele in a gene for which loss of function is a known mechanism of disease; This variant is associated with the following publications: (PMID: 36264615, 24086444, 30790397, 31402444, 31589614, 20400443)

Literature cited by the submitters: PubMed 16199547 (cited by Labcorp Genetics (formerly Invitae), Labcorp); PubMed 17105751 (cited by Labcorp Genetics (formerly Invitae), Labcorp); PubMed 31386562 (cited by Labcorp Genetics (formerly Invitae), Labcorp); PubMed 30790397 (cited by Labcorp Genetics (formerly Invitae), Labcorp).

NM_001943.5(DSG2):c.690+1G>A

Gene: DSG2 (desmoglein 2; plus strand). Cytogenetic location: 18q12.1.
Variant type: single nucleotide variant.
Coding change: c.690+1G>A on transcript NM_001943.5 (MANE Select); the canonical splice donor site of the intron after coding-DNA position 690, G replaced by A.
Molecular consequence: splice donor variant.
Genome position (GRCh38, 1-based): chr18:31,522,250, G>A. VCF-style: chr18-31522250-G-A. GRCh37 (hg19) VCF-style: chr18-29102213-G-A.
Identifiers: ClinVar variation 410373 (VCV000410373.11), dbSNP rs750176752, ClinGen allele CA049624.
Genomic context (GRCh38, chr18:31,522,250, plus strand): 5'-TTCTACCTAAATAAAGATACAGGAGAGATTTATACAACCAGTGTTACCTTGGACAGAGAG[G>A]TAAGTTAATATGTTATGTTGCCCATCTTTAAACTCTCTATCCTTTCCAGTTTCTCCTCTC-3'